The following is an entry in ClinVar:

ClinVar aggregate classification (germline): Conflicting classifications of pathogenicity. Review status: criteria provided, conflicting classifications (1 of 4 stars). 3 submissions from 3 submitters: Uncertain significance (1); Likely benign (2). Last evaluated 2025-12-17.

Conditions:
Cleft lip/palate-ectodermal dysplasia syndrome (CLPED1). Also called: Zlotogora syndrome; ECTODERMAL DYSPLASIA, CLEFT LIP AND PALATE, MENTAL RETARDATION, AND SYNDACTYLY; ECTODERMAL DYSPLASIA, MARGARITA ISLAND TYPE; ECTODERMAL DYSPLASIA, TYPE 4; ZLOTOGORA-OGUR SYNDROME. Identifiers: Orphanet 3253, MedGen C2931488, MONDO:0009151, OMIM 225060.
NECTIN1-related disorder. Also called: NECTIN1-related condition.

Allele frequency attached by ClinVar (database versions not stated): TOPMed 0.00018; gnomAD 0.00021 and 0.00023; gnomAD exomes 0.00022 and 0.00025; ESP Exome Variant Server 0.00023; ExAC 0.00025.
gnomAD v4.1: 349 of 1,613,974 alleles (0.022%); highest among the groups gnomAD compares: Non-Finnish European, 0.027%; no homozygotes.

Submissions (3):

PreventionGenetics, part of Exact Sciences
Classification: Likely benign for NECTIN1-related condition. Last evaluated: 2025-12-17. Review status: criteria provided, single submitter. Criteria: ACMG Guidelines, 2015. Collection method: clinical testing. Allele origin: germline.
Comment: This variant is classified as likely benign based on ACMG/AMP sequence variant interpretation guidelines (Richards et al. 2015 PMID: 25741868, with internal and published modifications).

Labcorp Genetics (formerly Invitae), Labcorp
Classification: Likely benign. Last evaluated: 2025-01-24. Review status: criteria provided, single submitter. Criteria: Invitae Variant Classification Sherloc (09022015). Collection method: clinical testing. Allele origin: germline.

Illumina Laboratory Services, Illumina
Classification: Uncertain significance for Cleft lip/palate-ectodermal dysplasia syndrome. Last evaluated: 2018-01-12. Review status: criteria provided, single submitter. Criteria: ICSL Variant Classification Criteria 13 December 2019. Collection method: clinical testing. Allele origin: germline.

NM_002855.5(NECTIN1):c.618G>A (p.Thr206=)

Gene: NECTIN1 (nectin cell adhesion molecule 1; minus strand). Cytogenetic location: 11q23.3.
Variant type: single nucleotide variant.
Coding change: c.618G>A on transcript NM_002855.5 (MANE Select); coding-DNA position 618, G replaced by A.
Protein change: p.Thr206=; no amino-acid change (threonine 206 retained).
Molecular consequence: synonymous variant.
Genome position (GRCh38, 1-based): chr11:119,677,670, C>T on the plus strand (G>A on the coding strand, the complement: NECTIN1 is on the minus strand). VCF-style: chr11-119677670-C-T. GRCh37 (hg19) VCF-style: chr11-119548380-C-T.
Other names: c.618G>A, p.Thr206= (NM_203285.2, NM_203286.2).
Identifiers: ClinVar variation 740218 (VCV000740218.13), dbSNP rs146567321, ClinGen allele CA6322044.